The following is an entry in ClinVar:

NM_001037333.3(CYFIP2):c.3293G>A (p.Arg1098His)

Genes: CYFIP2 (cytoplasmic FMR1 interacting protein 2; plus strand), NIPAL4-DT (NIPAL4 divergent transcript; minus strand). Cytogenetic location: 5q33.3.
Variant type: single nucleotide variant.
Coding change: c.3293G>A on transcript NM_001037333.3 (MANE Select); coding-DNA position 3293, G replaced by A.
Protein change: p.Arg1098His; replaces arginine 1098 with histidine.
Molecular consequence: missense variant.
Genome position (GRCh38, 1-based): chr5:157,389,274, G>A. VCF-style: chr5-157389274-G-A. GRCh37 (hg19) VCF-style: chr5-156816282-G-A.
Other names: c.3215G>A, p.Arg1072His (NM_001291721.2); c.3368G>A, p.Arg1123His (NM_001291722.2); c.3293G>A, p.Arg1098His (NM_014376.4); c.3293G>A (NM_001037333.1); short protein forms R1098H, R1123H, R1072H.
Identifiers: ClinVar variation 3003521 (VCV003003521.4), dbSNP rs748704223, ClinGen allele CA3534326.

ClinVar aggregate classification (germline): Uncertain significance. Review status: criteria provided, multiple submitters, no conflicts (2 of 4 stars). 2 submissions from 2 submitters: Uncertain significance (2). Last evaluated 2025-05-13.

Conditions:
Inborn genetic diseases. Identifiers: MedGen C0950123, MeSH D030342.

Allele frequency attached by ClinVar (database versions not stated): ExAC 0.00003.
gnomAD v4.1: 13 of 1,614,044 alleles (0.00081%); highest among the groups gnomAD compares: East Asian, 0.0022%; no homozygotes.

Submissions (2):

Ambry Genetics
Classification: Uncertain significance for Inborn genetic diseases. Last evaluated: 2025-05-13. Review status: criteria provided, single submitter. Criteria: Ambry Variant Classification Scheme 2023. Collection method: clinical testing. Allele origin: germline.

Labcorp Genetics (formerly Invitae), Labcorp
Classification: Uncertain significance. Last evaluated: 2023-04-11. Review status: criteria provided, single submitter. Criteria: Invitae Variant Classification Sherloc (09022015). Collection method: clinical testing. Allele origin: germline.
Comment: In summary, the available evidence is currently insufficient to determine the role of this variant in disease. Therefore, it has been classified as a Variant of Uncertain Significance. Experimental studies and prediction algorithms are not available or were not evaluated, and the functional significance of this variant is currently unknown. This variant has not been reported in the literature in individuals affected with CYFIP2-related conditions. This variant is present in population databases (rs748704223, gnomAD 0.01%). This sequence change replaces arginine, which is basic and polar, with histidine, which is basic and polar, at codon 1098 of the CYFIP2 protein (p.Arg1098His).